The following is an entry in ClinVar:

NM_000525.4(KCNJ11):c.353C>T (p.Ser118Leu)

Gene: KCNJ11 (potassium inwardly rectifying channel subfamily J member 11; minus strand). Cytogenetic location: 11p15.1.
Variant type: single nucleotide variant.
Coding change: c.353C>T on transcript NM_000525.4 (MANE Select); coding-DNA position 353, C replaced by T.
Protein change: p.Ser118Leu; replaces serine 118 with leucine.
Molecular consequence: missense variant.
Genome position (GRCh38, 1-based): chr11:17,387,739, G>A on the plus strand (C>T on the coding strand, the complement: KCNJ11 is on the minus strand). VCF-style: chr11-17387739-G-A. GRCh37 (hg19) VCF-style: chr11-17409286-G-A.
Other names: c.92C>T, p.Ser31Leu (NM_001166290.2, NM_001377296.1, NM_001377297.1); short protein forms S118L, S31L.
Identifiers: ClinVar variation 1336017 (VCV001336017.7), dbSNP rs756424776, ClinGen allele CA5902299.

ClinVar aggregate classification (germline): Uncertain significance. Review status: criteria provided, multiple submitters, no conflicts (2 of 4 stars). 3 submissions from 3 submitters: Uncertain significance (3). Last evaluated 2025-01-24.

Conditions:
Hyperinsulinemic hypoglycemia, familial, 2. Also called: HYPERINSULINEMIC HYPOGLYCEMIA, PERSISTENT; HYPERINSULINISM, NEONATAL. Identifiers: Orphanet 276580, Orphanet 276603, MedGen C2931833, MONDO:0011153, OMIM 601820. Disease mechanism: loss of function.
Type 2 diabetes mellitus. Also called: Type II diabetes mellitus. Identifiers: MedGen C0011860, MeSH D003924, MONDO:0005148, OMIM 125853, HP:0005978.
Diabetes mellitus, transient neonatal, 3 (TNDM3). Identifiers: Orphanet 99886, MedGen C1864623, MONDO:0012522, OMIM 610582. Disease mechanism: loss of function.
Maturity-onset diabetes of the young type 13. Also called: MODY, TYPE 13. Identifiers: Orphanet 552, MedGen C4225365, MONDO:0014589, OMIM 616329.
Diabetes mellitus, permanent neonatal 2. Also called: KCNJ11-Related Permanent Neonatal Diabetes Mellitus. Identifiers: MedGen C5394296, MONDO:0030087, OMIM 618856.

Allele frequency attached by ClinVar (database versions not stated): gnomAD exomes 0.00001 and 0.00002; TOPMed 0.00002; ExAC 0.00003.
gnomAD v4.1: 17 of 1,614,148 alleles (0.0011%); highest among the groups gnomAD compares: South Asian, 0.012%; no homozygotes.

Submissions (3):

Women's Health and Genetics/Laboratory Corporation of America, LabCorp
Classification: Uncertain significance. Last evaluated: 2025-01-24. Review status: criteria provided, single submitter. Criteria: LabCorp Variant Classification Summary - May 2015. Collection method: clinical testing. Allele origin: germline.
Comment: Variant summary: KCNJ11 c.353C>T (p.Ser118Leu) results in a non-conservative amino acid change located in the inward rectifier potassium channel transmembrane domain (IPR040445) of the encoded protein sequence. Three of five in-silico tools predict a damaging effect of the variant on protein function. The variant allele was found at a frequency of 2.4e-05 in 251194 control chromosomes. The available data on variant occurrences in the general population are insufficient to allow any conclusion about variant significance. c.353C>T has been reported in the literature in individuals affected with diabetes or with a family history of diabetes/hyperinsulinism (e.g., Boodram_2011, DeFranco_2020, Donath_2019, Vedovato_2024). These reports do not provide unequivocal conclusions about association of the variant with Congenital Hyperinsulinism. At least one publication reports experimental evidence evaluating an impact on protein function (Vedovato_2024). The most pronounced variant effect results in 60% of normal cell surface expression compared to wild type. The following publications have been ascertained in the context of this evaluation (PMID: 22512215, 32027066, 31291970, 38366195). ClinVar contains an entry for this variant (Variation ID: 1336017). Based on the evidence outlined above, the variant was classified as uncertain significance.

Fulgent Genetics
Classification: Uncertain significance for Type 2 diabetes mellitus; Hyperinsulinemic hypoglycemia, familial, 2; Diabetes mellitus, transient neonatal, 3; Maturity-onset diabetes of the young type 13; Diabetes mellitus, permanent neonatal 2. Last evaluated: 2022-01-18. Review status: criteria provided, single submitter. Criteria: ACMG Guidelines, 2015. Collection method: clinical testing. Allele origin: unknown.

Genetic Services Laboratory, University of Chicago
Classification: Uncertain significance. Last evaluated: 2018-02-19. Review status: criteria provided, single submitter. Criteria: ACMG Guidelines, 2015. Collection method: clinical testing. Allele origin: germline. Affected: no.

Literature cited by the submitters: PubMed 32027066 (cited by Women's Health and Genetics/Laboratory Corporation of America, LabCorp); PubMed 31291970 (cited by Women's Health and Genetics/Laboratory Corporation of America, LabCorp); PubMed 22512215 (cited by Women's Health and Genetics/Laboratory Corporation of America, LabCorp); PubMed 38366195 (cited by Women's Health and Genetics/Laboratory Corporation of America, LabCorp).